The following is an entry in ClinVar:

NM_006031.6(PCNT):c.4172G>A (p.Ser1391Asn)

Gene: PCNT (pericentrin; plus strand). Cytogenetic location: 21q22.3.
Variant type: single nucleotide variant.
Coding change: c.4172G>A on transcript NM_006031.6 (MANE Select); coding-DNA position 4172, G replaced by A.
Protein change: p.Ser1391Asn; replaces serine 1391 with asparagine.
Molecular consequence: missense variant.
Genome position (GRCh38, 1-based): chr21:46,391,332, G>A. VCF-style: chr21-46391332-G-A. GRCh37 (hg19) VCF-style: chr21-47811247-G-A.
Other names: c.3818G>A, p.Ser1273Asn (NM_001315529.2); c.4172G>A (NM_006031.5); short protein forms S1273N, S1391N.
Identifiers: ClinVar variation 1352859 (VCV001352859.10), dbSNP rs764095531, ClinGen allele CA10079552.

ClinVar aggregate classification (germline): Uncertain significance. Review status: criteria provided, multiple submitters, no conflicts (2 of 4 stars). 3 submissions from 3 submitters: Uncertain significance (3). Last evaluated 2026-06-01.

Conditions:
Inborn genetic diseases. Identifiers: MedGen C0950123, MeSH D030342.
PCNT-related disorder. Also called: PCNT-related condition.

Allele frequency attached by ClinVar (database versions not stated): gnomAD exomes 0.00001; gnomAD 0.00002; TOPMed 0.00002; ExAC 0.00005.
gnomAD v4.1: 9 of 1,557,626 alleles (0.00058%); highest among the groups gnomAD compares: Admixed American, 0.012%; no homozygotes.

Submissions (3):

PreventionGenetics, part of Exact Sciences
Classification: Uncertain significance for PCNT-related condition. Last evaluated: 2026-06-01. Review status: criteria provided, single submitter. Criteria: ACMG Guidelines, 2015. Collection method: clinical testing. Allele origin: germline.
Comment: The PCNT c.4172G>A variant is predicted to result in the amino acid substitution p.Ser1391Asn. To our knowledge, this variant has not been reported in the literature. This variant is reported in 0.0040% of alleles in individuals of Latino descent in gnomAD. At this time, the clinical significance of this variant is uncertain due to the absence of conclusive functional and genetic evidence.

Labcorp Genetics (formerly Invitae), Labcorp
Classification: Uncertain significance. Last evaluated: 2025-12-08. Review status: criteria provided, single submitter. Criteria: Invitae Variant Classification Sherloc (09022015). Collection method: clinical testing. Allele origin: germline.
Comment: This sequence change replaces serine, which is neutral and polar, with asparagine, which is neutral and polar, at codon 1391 of the PCNT protein (p.Ser1391Asn). This variant is present in population databases (rs764095531, gnomAD 0.004%). This variant has not been reported in the literature in individuals affected with PCNT-related conditions. ClinVar contains an entry for this variant (Variation ID: 1352859). An algorithm developed to predict the effect of missense changes on protein structure and function outputs the following: PolyPhen-2: "Possibly Damaging". The asparagine amino acid residue is found in multiple mammalian species, which suggests that this missense change does not adversely affect protein function. In summary, the available evidence is currently insufficient to determine the role of this variant in disease. Therefore, it has been classified as a Variant of Uncertain Significance.

Ambry Genetics
Classification: Uncertain significance for Inborn genetic diseases. Last evaluated: 2022-04-13. Review status: criteria provided, single submitter. Criteria: Ambry Variant Classification Scheme 2023. Collection method: clinical testing. Allele origin: germline.